The following is an entry in ClinVar:

ClinVar aggregate classification (germline): Uncertain significance (1 of 4 stars; one submission).

Conditions:
Anophthalmia-microphthalmia syndrome. Also called: Anophthalmia - microphthalmia; Anophthalmia/Microphthalmia. Identifiers: Orphanet 98555, MedGen C5680330, MONDO:0020147.

Submission:

Labcorp Genetics (formerly Invitae), Labcorp
Classification: Uncertain significance for Anophthalmia-microphthalmia syndrome. Last evaluated: 2024-01-13. Review status: criteria provided, single submitter. Criteria: Invitae Variant Classification Sherloc (09022015). Collection method: clinical testing. Allele origin: germline.
Comment: This sequence change replaces serine, which is neutral and polar, with arginine, which is basic and polar, at codon 128 of the OTX2 protein (p.Ser128Arg). This variant is not present in population databases (gnomAD no frequency). This variant has not been reported in the literature in individuals affected with OTX2-related conditions. An algorithm developed to predict the effect of missense changes on protein structure and function (PolyPhen-2) suggests that this variant is likely to be disruptive. In summary, the available evidence is currently insufficient to determine the role of this variant in disease. Therefore, it has been classified as a Variant of Uncertain Significance.

NM_021728.4(OTX2):c.408T>A (p.Ser136Arg)

Gene: OTX2 (orthodenticle homeobox 2; minus strand). Cytogenetic location: 14q22.3.
Variant type: single nucleotide variant.
Coding change: c.408T>A on transcript NM_021728.4 (MANE Select); coding-DNA position 408, T replaced by A.
Protein change: p.Ser136Arg; replaces serine 136 with arginine.
Molecular consequence: missense variant. On other transcripts: non-coding transcript variant (2).
Genome position (GRCh38, 1-based): chr14:56,802,221, A>T on the plus strand (T>A on the coding strand, the complement: OTX2 is on the minus strand). VCF-style: chr14-56802221-A-T. GRCh37 (hg19) VCF-style: chr14-57268939-A-T.
Other names: c.384T>A, p.Ser128Arg (NM_001270523.2, NM_001270524.2, NM_172337.3); c.408T>A, p.Ser136Arg (NM_001270525.2); short protein forms S136R, S128R.
Identifiers: ClinVar variation 2707403 (VCV002707403.3), dbSNP rs2503898062, ClinGen allele CA390051920.